The following is an entry in ClinVar:

ClinVar aggregate classification (germline): Uncertain significance. Review status: criteria provided, multiple submitters, no conflicts (2 of 4 stars). 3 submissions from 3 submitters: Uncertain significance (3). Last evaluated 2024-02-20.

Conditions:
Inborn genetic diseases. Identifiers: MedGen C0950123, MeSH D030342.

Allele frequency attached by ClinVar (database versions not stated): ExAC 0.00001; gnomAD exomes 0.00001 and 0.00002; gnomAD 0.00005; TOPMed 0.00017.

Submissions (3):

Athena Diagnostics
Classification: Uncertain significance. Last evaluated: 2024-02-20. Review status: criteria provided, single submitter. Criteria: Athena Diagnostics Criteria. Collection method: clinical testing. Allele origin: unknown.
Comment: Available data are insufficient to determine the clinical significance of the variant at this time. The frequency of this variant in the general population is uninformative in assessment of its pathogenicity. Computational tools predict that this variant is not damaging.

Ambry Genetics
Classification: Uncertain significance for Inborn genetic diseases. Last evaluated: 2023-11-03. Review status: criteria provided, single submitter. Criteria: Ambry Variant Classification Scheme 2023. Collection method: clinical testing. Allele origin: germline.

Labcorp Genetics (formerly Invitae), Labcorp
Classification: Uncertain significance. Last evaluated: 2022-02-21. Review status: criteria provided, single submitter. Criteria: Invitae Variant Classification Sherloc (09022015). Collection method: clinical testing. Allele origin: germline.
Comment: This sequence change replaces isoleucine, which is neutral and non-polar, with threonine, which is neutral and polar, at codon 219 of the ASPM protein (p.Ile219Thr). This variant is present in population databases (rs771860582, gnomAD 0.009%). This variant has not been reported in the literature in individuals affected with ASPM-related conditions. Algorithms developed to predict the effect of missense changes on protein structure and function are either unavailable or do not agree on the potential impact of this missense change (SIFT: "Deleterious"; PolyPhen-2: "Benign"; Align-GVGD: "Class C0"). In summary, the available evidence is currently insufficient to determine the role of this variant in disease. Therefore, it has been classified as a Variant of Uncertain Significance.

NM_018136.5(ASPM):c.656T>C (p.Ile219Thr)

Gene: ASPM (assembly factor for spindle microtubules; minus strand). Cytogenetic location: 1q31.3.
Variant type: single nucleotide variant.
Coding change: c.656T>C on transcript NM_018136.5 (MANE Select); coding-DNA position 656, T replaced by C.
Protein change: p.Ile219Thr; replaces isoleucine 219 with threonine.
Molecular consequence: missense variant.
Genome position (GRCh38, 1-based): chr1:197,143,596, A>G on the plus strand (T>C on the coding strand, the complement: ASPM is on the minus strand). VCF-style: chr1-197143596-A-G. GRCh37 (hg19) VCF-style: chr1-197112726-A-G.
Other names: c.656T>C, p.Ile219Thr (NM_001206846.2); c.656T>C (NM_018136.4); short protein forms I219T.
Identifiers: ClinVar variation 1382013 (VCV001382013.7), dbSNP rs771860582, ClinGen allele CA1310831.